The following is an entry in ClinVar:

ClinVar aggregate classification (germline): Uncertain significance. Review status: criteria provided, multiple submitters, no conflicts (2 of 4 stars). 2 submissions from 2 submitters: Uncertain significance (2). Last evaluated 2024-01-24.

Conditions:
Hereditary cancer-predisposing syndrome. Also called: Hereditary neoplastic syndrome; Tumor predisposition; Hereditary Cancer Syndrome; Neoplastic Syndromes, Hereditary. Identifiers: Orphanet 140162, MedGen C0027672, MeSH D009386, MONDO:0015356.
Paragangliomas with sensorineural hearing loss. Identifiers: MedGen C1868633.
Carney-Stratakis syndrome. Also called: PARAGANGLIOMA AND GASTROINTESTINAL STROMAL TUMOR. Identifiers: Orphanet 97286, MedGen C1847319, MONDO:0011740, OMIM 606864.
Cowden syndrome 3 (CWS3). Identifiers: Orphanet 201, MedGen CN166604, MONDO:0014045.
Pheochromocytoma. Also called: MAX-Related Hereditary Paraganglioma-Pheochromocytoma Syndrome. Identifiers: Orphanet 29072, MedGen C0031511, MONDO:0008233, OMIM 171300, HP:0002666.

Submissions (2):

Labcorp Genetics (formerly Invitae), Labcorp
Classification: Uncertain significance for Carney-Stratakis syndrome; Paragangliomas with sensorineural hearing loss; Pheochromocytoma; Cowden syndrome 3. Last evaluated: 2024-01-24. Review status: criteria provided, single submitter. Criteria: Invitae Variant Classification Sherloc (09022015). Collection method: clinical testing. Allele origin: germline.
Comment: This sequence change falls in intron 1 of the SDHD gene. It does not directly change the encoded amino acid sequence of the SDHD protein. It affects a nucleotide within the consensus splice site. This variant is not present in population databases (gnomAD no frequency). This variant has not been reported in the literature in individuals affected with SDHD-related conditions. ClinVar contains an entry for this variant (Variation ID: 2127451). Variants that disrupt the consensus splice site are a relatively common cause of aberrant splicing (PMID: 17576681, 9536098). Algorithms developed to predict the effect of sequence changes on RNA splicing suggest that this variant is not likely to affect RNA splicing. In summary, the available evidence is currently insufficient to determine the role of this variant in disease. Therefore, it has been classified as a Variant of Uncertain Significance.

Ambry Genetics
Classification: Uncertain significance for Hereditary cancer-predisposing syndrome. Last evaluated: 2023-08-21. Review status: criteria provided, single submitter. Criteria: Ambry Variant Classification Scheme 2023. Collection method: clinical testing. Allele origin: germline.
Comment: The c.53-3C>T intronic variant results from a C to T substitution 3 nucleotides upstream from coding exon 2 in the SDHD gene. This nucleotide position is well conserved in available vertebrate species. In silico splice site analysis for this alteration is inconclusive; however, direct evidence is insufficient at this time (Ambry internal data). Since supporting evidence is limited at this time, the clinical significance of this alteration remains unclear.

Literature cited by the submitters: PubMed 17576681 (cited by Labcorp Genetics (formerly Invitae), Labcorp); PubMed 9536098 (cited by Labcorp Genetics (formerly Invitae), Labcorp).

NM_003002.4(SDHD):c.53-3C>T

Gene: SDHD (succinate dehydrogenase complex subunit D; plus strand). Cytogenetic location: 11q23.1.
Variant type: single nucleotide variant.
Coding change: c.53-3C>T on transcript NM_003002.4 (MANE Select); 3 bases into the intron before coding-DNA position 53, C replaced by T.
Molecular consequence: intron variant.
Genome position (GRCh38, 1-based): chr11:112,087,854, C>T. VCF-style: chr11-112087854-C-T. GRCh37 (hg19) VCF-style: chr11-111958578-C-T.
Other names: c.53-3C>T (NM_001276506.2, NM_001276503.2, NM_003002.2); c.52+895C>T (NM_001276504.2).
Identifiers: ClinVar variation 2127451 (VCV002127451.6), dbSNP rs2498899333, ClinGen allele CA2580083429.